The following is an entry in ClinVar:

ClinVar aggregate classification (germline): Uncertain significance. Review status: criteria provided, multiple submitters, no conflicts (2 of 4 stars). 2 submissions from 2 submitters: Uncertain significance (2). Last evaluated 2022-02-05.

Conditions:
Immunodeficiency, common variable, 2 (CVID2). Also called: ANTIBODY DEFICIENCY DUE TO TACI DEFECT; HYPOGAMMAGLOBULINEMIA DUE TO TACI DEFICIENCY. Identifiers: Orphanet 1572, MedGen C3150354, MONDO:0009413, OMIM 240500.

Allele frequency attached by ClinVar (database versions not stated): gnomAD exomes 0.00002; TOPMed 0.00002; 1000 Genomes Project 0.00020; 1000 Genomes Project 30x 0.00031; gnomAD 0.00001; ExAC 0.00002.

Submissions (2):

Labcorp Genetics (formerly Invitae), Labcorp
Classification: Uncertain significance for Immunodeficiency, common variable, 2. Last evaluated: 2022-02-05. Review status: criteria provided, single submitter. Criteria: Invitae Variant Classification Sherloc (09022015). Collection method: clinical testing. Allele origin: germline.
Comment: This sequence change replaces glutamic acid, which is acidic and polar, with lysine, which is basic and polar, at codon 140 of the TNFRSF13B protein (p.Glu140Lys). This variant is present in population databases (rs199578237, gnomAD 0.01%). This missense change has been observed in individual(s) with clinical features of TNFRSF13B-related conditions (PMID: 19779048, 22884984, 32185379). ClinVar contains an entry for this variant (Variation ID: 834559). Algorithms developed to predict the effect of missense changes on protein structure and function (SIFT, PolyPhen-2, Align-GVGD) all suggest that this variant is likely to be disruptive. In summary, the available evidence is currently insufficient to determine the role of this variant in disease. Therefore, it has been classified as a Variant of Uncertain Significance.

Institute of Human Genetics, University of Leipzig Medical Center
Classification: Uncertain significance for Immunodeficiency, common variable, 2. Last evaluated: 2017-12-13. Review status: criteria provided, single submitter. Criteria: ACMG Guidelines, 2015. Collection method: clinical testing. Allele origin: germline. Affected: yes. Observed: 1 variant allele.

Literature cited by the submitters: PubMed 19779048 (cited by Labcorp Genetics (formerly Invitae), Labcorp); PubMed 22884984 (cited by Labcorp Genetics (formerly Invitae), Labcorp); PubMed 32185379 (cited by Labcorp Genetics (formerly Invitae), Labcorp).

NM_012452.3(TNFRSF13B):c.418G>A (p.Glu140Lys)

Gene: TNFRSF13B (TNF receptor superfamily member 13B; minus strand). Cytogenetic location: 17p11.2.
Variant type: single nucleotide variant.
Coding change: c.418G>A on transcript NM_012452.3 (MANE Select); coding-DNA position 418, G replaced by A.
Protein change: p.Glu140Lys; replaces glutamic acid 140 with lysine.
Molecular consequence: missense variant.
Genome position (GRCh38, 1-based): chr17:16,948,765, C>T on the plus strand (G>A on the coding strand, the complement: TNFRSF13B is on the minus strand). VCF-style: chr17-16948765-C-T. GRCh37 (hg19) VCF-style: chr17-16852079-C-T.
Other names: short protein forms E140K.
Identifiers: ClinVar variation 834559 (VCV000834559.5), dbSNP rs199578237, ClinGen allele CA8414019.
Genomic context (GRCh38, chr17:16,948,765, plus strand): 5'-TGACACCATGCAGGTTTGCCTTGGGTGGCTTACCTGGACTTGCTTCTGAGCCTCTGTGCT[C>T]CAATCCTTGGTACCTTCCCGAGTTGTCTGAATTGTTTTCAACTTCTCCACTCCGCTGTCT-3'
Protein context (NP_036584.1, residues 130-150): SDNSGRYQGL[Glu140Lys]HRGSEASPAL